The following is an entry in ClinVar:

ClinVar aggregate classification (germline): Benign/Likely benign. Review status: criteria provided, multiple submitters, no conflicts (2 of 4 stars). 4 submissions from 4 submitters: Benign (1); Likely benign (2). 1 of the submissions does not count toward it. Last evaluated 2019-12-31.

Conditions:
CTNND2-related disorder. Also called: CTNND2-related condition.

Allele frequency attached by ClinVar (database versions not stated): gnomAD exomes 0.00115 and 0.00856; ExAC 0.00174; gnomAD 0.00263 and 0.00299; TOPMed 0.00462; 1000 Genomes Project 0.01038; 1000 Genomes Project 30x 0.01062.
gnomAD v4.1: 2,101 of 1,481,316 alleles (0.14%); highest among the groups gnomAD compares: Admixed American, 2.5%; 44 homozygotes.

Submissions (4):

Labcorp Genetics (formerly Invitae), Labcorp
Classification: Benign. Last evaluated: 2019-12-31. Review status: criteria provided, single submitter. Criteria: Invitae Variant Classification Sherloc (09022015). Collection method: clinical testing. Allele origin: germline.

GeneDx
Classification: Likely benign. Last evaluated: 2018-07-26. Review status: criteria provided, single submitter. Criteria: GeneDx Variant Classification Process June 2021. Collection method: clinical testing. Allele origin: germline. Affected: yes.

Breakthrough Genomics
Classification: Likely benign. Review status: criteria provided, single submitter. Criteria: ACMG Guidelines, 2015. Collection method: not provided. Allele origin: germline. Inheritance: Unknown mechanism. Affected: yes.

PreventionGenetics, part of Exact Sciences
Classification: Likely benign for CTNND2-related condition. Last evaluated: 2020-02-21. Review status: no assertion criteria provided. Collection method: clinical testing. Allele origin: germline. Not counted in ClinVar's aggregate classification.
Comment: This variant is classified as likely benign based on ACMG/AMP sequence variant interpretation guidelines (Richards et al. 2015 PMID: 25741868, with internal and published modifications).

NM_001332.4(CTNND2):c.37+7T>G

Gene: CTNND2 (catenin delta 2; minus strand). Cytogenetic location: 5p15.2.
Variant type: single nucleotide variant.
Coding change: c.37+7T>G on transcript NM_001332.4 (MANE Select); 7 bases into the intron after coding-DNA position 37, T replaced by G.
Molecular consequence: intron variant.
Genome position (GRCh38, 1-based): chr5:11,903,810, A>C on the plus strand (T>G on the coding strand, the complement: CTNND2 is on the minus strand). VCF-style: chr5-11903810-A-C. GRCh37 (hg19) VCF-style: chr5-11903922-A-C.
Other names: c.-698+7T>G (NM_001288717.2).
Identifiers: ClinVar variation 770161 (VCV000770161.9), dbSNP rs2305933, ClinGen allele CA3201215.
Genomic context (GRCh38, chr5:11,903,810, plus strand): 5'-CAAGAGGAGGAGGACGGCGCCGGGAGGAGGCTGCGCCCGGCCCCGGCCGCCCAGCCCCGC[A>C]ACTCACCCAAAGGCGCGGCGCCCGGCGGCTTCCTCGCAAACATGCACCCTCCGCCGGCGA-3'